The following is an entry in ClinVar:

NM_015202.5(KATNIP):c.4783C>G (p.Gln1595Glu)

Gene: KATNIP (katanin interacting protein; plus strand). Cytogenetic location: 16p12.1.
Variant type: single nucleotide variant.
Coding change: c.4783C>G on transcript NM_015202.5 (MANE Select); coding-DNA position 4783, C replaced by G.
Protein change: p.Gln1595Glu; replaces glutamine 1595 with glutamic acid.
Molecular consequence: missense variant.
Genome position (GRCh38, 1-based): chr16:27,777,951, C>G. VCF-style: chr16-27777951-C-G. GRCh37 (hg19) VCF-style: chr16-27789272-C-G.
Other names: c.4783C>G (NM_015202.2, NM_015202.3); short protein forms Q1595E.
Identifiers: ClinVar variation 2050406 (VCV002050406.3), dbSNP rs147438027, ClinGen allele CA7978770.

ClinVar aggregate classification (germline): Uncertain significance. Review status: criteria provided, multiple submitters, no conflicts (2 of 4 stars). 3 submissions from 3 submitters: Uncertain significance (3). Last evaluated 2025-08-07.

Conditions:
KATNIP-related disorder. Also called: KATNIP-related condition.

Allele frequency attached by ClinVar (database versions not stated): gnomAD 0.00034; TOPMed 0.00047; ESP Exome Variant Server 0.00062.
gnomAD v4.1: 112 of 1,613,950 alleles (0.0069%); highest among the groups gnomAD compares: African/African-American, 0.13%; no homozygotes.

Submissions (3):

PreventionGenetics, part of Exact Sciences
Classification: Uncertain significance for KATNIP-related condition. Last evaluated: 2025-08-07. Review status: criteria provided, single submitter. Criteria: ACMG Guidelines, 2015. Collection method: clinical testing. Allele origin: germline.
Comment: The KATNIP c.4783C>G variant is predicted to result in the amino acid substitution p.Gln1595Glu. To our knowledge, this variant has not been reported in the literature. This variant is reported in 0.13% of alleles in individuals of African descent in gnomAD. Although we suspect that this variant may be benign, at this time, the clinical significance of this variant is uncertain due to the absence of conclusive functional and genetic evidence.

Labcorp Genetics (formerly Invitae), Labcorp
Classification: Uncertain significance. Last evaluated: 2022-08-31. Review status: criteria provided, single submitter. Criteria: Invitae Variant Classification Sherloc (09022015). Collection method: clinical testing. Allele origin: germline.
Comment: This sequence change replaces glutamine, which is neutral and polar, with glutamic acid, which is acidic and polar, at codon 1595 of the KIAA0556 protein (p.Gln1595Glu). This variant is present in population databases (rs147438027, gnomAD 0.1%). This variant has not been reported in the literature in individuals affected with KIAA0556-related conditions. Algorithms developed to predict the effect of missense changes on protein structure and function are either unavailable or do not agree on the potential impact of this missense change (SIFT: "Deleterious"; PolyPhen-2: "Benign"; Align-GVGD: "Class C0"). In summary, the available evidence is currently insufficient to determine the role of this variant in disease. Therefore, it has been classified as a Variant of Uncertain Significance.

Ambry Genetics
Classification: Uncertain significance. Last evaluated: 2021-05-04. Review status: criteria provided, single submitter. Criteria: Ambry Variant Classification Scheme 2023. Collection method: clinical testing. Allele origin: germline.
Comment: The c.4783C>G (p.Q1595E) alteration is located in exon 27 (coding exon 27) of the KIAA0556 gene. This alteration results from a C to G substitution at nucleotide position 4783, causing the glutamine (Q) at amino acid position 1595 to be replaced by a glutamic acid (E). Based on data from the Genome Aggregation Database (gnomAD) database, the KIAA0556 c.4783C>G alteration was observed in 0.01% (39/282652) of total alleles studied, with a frequency of 0.13% (32/24974) in the African subpopulation. Based on insufficient or conflicting evidence, the clinical significance of this alteration remains unclear.